The following is an entry in ClinVar:

NM_015346.4(ZFYVE26):c.2332+7del

Gene: ZFYVE26 (zinc finger FYVE-type containing 26; minus strand). Cytogenetic location: 14q24.1.
Variant type: Deletion.
Coding change: c.2332+7del on transcript NM_015346.4 (MANE Select); 7 bases into the intron after coding-DNA position 2332, one base deleted (T; older notation c.2332+7delT).
Molecular consequence: intron variant.
Genome position (GRCh38, 1-based): chr14:67,797,665, A deleted on the plus strand (T on the coding strand, the reverse complement: ZFYVE26 is on the minus strand). VCF-style (leftmost placement, unchanged base first): chr14-67797664-CA-C. GRCh37 (hg19) VCF-style: chr14-68264381-CA-C.
Other names: p.?; c.2332+7del (NM_015346.3).
Identifiers: ClinVar variation 313914 (VCV000313914.21), dbSNP rs145183291, ClinGen allele CA7240333.

ClinVar aggregate classification (germline): Benign/Likely benign. Review status: criteria provided, multiple submitters, no conflicts (2 of 4 stars). 7 submissions from 7 submitters: Benign (6); Likely benign (1). Last evaluated 2026-01-31.

Conditions:
Spastic paraplegia. Identifiers: MedGen C0037772, HP:0001258.
Hereditary spastic paraplegia 15 (SPG15). Also called: KJELLIN SYNDROME; SPASTIC PARAPLEGIA 15, AUTOSOMAL RECESSIVE; SPASTIC PARAPLEGIA AND RETINAL DEGENERATION. Identifiers: Orphanet 100996, MedGen C1849128, MONDO:0010044, OMIM 270700.
Hereditary spastic paraplegia. Also called: Familial spastic paraparesis. Identifiers: Orphanet 685, MedGen C0037773, MONDO:0019064. Disease mechanism: loss of function.

Allele frequency attached by ClinVar (database versions not stated): gnomAD exomes 0.01444 and 0.01685; ExAC 0.01959; gnomAD 0.02579 and 0.02598; TOPMed 0.02767; ESP Exome Variant Server 0.02916; 1000 Genomes Project 0.03534; 1000 Genomes Project 30x 0.03638.

Submissions (7):

Labcorp Genetics (formerly Invitae), Labcorp
Classification: Benign for Spastic paraplegia. Last evaluated: 2026-01-31. Review status: criteria provided, single submitter. Criteria: Invitae Variant Classification Sherloc (09022015). Collection method: clinical testing. Allele origin: germline.

Blueprint Genetics
Classification: Likely benign. Last evaluated: 2024-11-27. Review status: criteria provided, single submitter. Criteria: ACMG Guidelines, 2015. Collection method: clinical testing. Allele origin: germline.

Genome-Nilou Lab
Classification: Benign for Hereditary spastic paraplegia 15. Last evaluated: 2021-12-05. Review status: criteria provided, single submitter. Criteria: ACMG Guidelines, 2015. Collection method: clinical testing. Allele origin: germline. Affected: no.

Genome Diagnostics Laboratory, The Hospital for Sick Children
Classification: Benign for Hereditary spastic paraplegia. Last evaluated: 2021-11-11. Review status: criteria provided, single submitter. Criteria: ACMG Guidelines, 2015. Collection method: clinical testing. Allele origin: germline. Affected: yes.

GeneDx
Classification: Benign. Last evaluated: 2017-11-27. Review status: criteria provided, single submitter. Criteria: GeneDx Variant Classification (06012015). Collection method: clinical testing. Allele origin: germline. Affected: yes.
Comment: This variant is considered likely benign or benign based on one or more of the following criteria: it is a conservative change, it occurs at a poorly conserved position in the protein, it is predicted to be benign by multiple in silico algorithms, and/or has population frequency not consistent with disease.

Athena Diagnostics
Classification: Benign. Last evaluated: 2017-09-30. Review status: criteria provided, single submitter. Criteria: Athena Diagnostics Criteria. Collection method: clinical testing. Allele origin: germline.

Mayo Clinic Laboratories, Mayo Clinic
Classification: Benign. Last evaluated: 2016-05-26. Review status: criteria provided, single submitter. Criteria: ACMG Guidelines, 2015. Collection method: clinical testing. Allele origin: germline. Observed: 51 variant alleles.

Literature cited by the submitters: PubMed 19917823 (cited by Athena Diagnostics).